The following is an entry in ClinVar:

NM_002485.5(NBN):c.1622_1634del (p.Ala541fs)

Gene: NBN (nibrin; minus strand). Cytogenetic location: 8q21.3.
Variant type: Deletion.
Coding change: c.1622_1634del on transcript NM_002485.5 (MANE Select); coding-DNA positions 1622 to 1634, 13 bases deleted (CTGCAGAAAAGCT).
Protein change: p.Ala541fs; shifts the reading frame from alanine 541.
Molecular consequence: frameshift variant.
Genome position (GRCh38, 1-based): chr8:89,953,455-89,953,467, AGCTTTTCTGCAG deleted on the plus strand (CTGCAGAAAAGCT on the coding strand, the reverse complement: NBN is on the minus strand). VCF-style (leftmost placement, unchanged base first): chr8-89953454-TAGCTTTTCTGCAG-T. GRCh37 (hg19) VCF-style: chr8-90965682-TAGCTTTTCTGCAG-T.
Other names: c.1376_1388del, p.Ala459fs (NM_001024688.3); short protein forms A459fs, A541fs.
Identifiers: ClinVar variation 1724017 (VCV001724017.2), dbSNP rs2488231541, ClinGen allele CA2580079062.
Genomic context (GRCh38, chr8:89,953,454, plus strand): 5'-CTGTTCCAATACTTCATCTTCTATGGCCACATCATCCATTTCCCTTTTTTTATTTGATCT[TAGCTTTTCTGCAG>T]CATGAGATTTACTGGCAGAATTTTTCACAATAGATTTTAAATCTGTATCTGTAAATAAGT-3'

ClinVar aggregate classification (germline): Likely pathogenic (1 of 4 stars; one submission).

Conditions:
Microcephaly, normal intelligence and immunodeficiency (NBS). Also called: Ataxia telangiectasia variant V1; IMMUNODEFICIENCY, MICROCEPHALY, AND CHROMOSOMAL INSTABILITY; SEEMANOVA SYNDROME II; Immunodeficiency, microcephaly with normal intelligence; Nijmegen breakage syndrome; Microcephaly with normal intelligence immunodeficiency and lymphoreticular malignancies. Identifiers: Orphanet 647, MedGen C0398791, MONDO:0009623, OMIM 251260.

Submission:

Myriad Genetics, Inc.
Classification: Likely pathogenic for Microcephaly, normal intelligence and immunodeficiency. Last evaluated: 2022-01-23. Review status: criteria provided, single submitter. Criteria: Myriad Women's Health Autosomal Recessive and X-Linked Classification Criteria (2021). Collection method: clinical testing. Allele origin: unknown.
Comment: NM_002485.4(NBN):c.1622_1634del13(A541Efs*14) is expected to be pathogenic in the context of Nijmegen breakage syndrome. This variant is predicted to lead to an abnormal or absent protein product due to the creation of a premature termination codon in NBN, a gene where loss-of-function variants are known to be pathogenic. Please note: this variant was assessed in the context of healthy population screening.